The following is an entry in ClinVar:

NM_003737.4(DCHS1):c.1365G>T (p.Glu455Asp)

Gene: DCHS1 (dachsous cadherin-related 1; minus strand). Cytogenetic location: 11p15.4.
Variant type: single nucleotide variant.
Coding change: c.1365G>T on transcript NM_003737.4 (MANE Select); coding-DNA position 1365, G replaced by T.
Protein change: p.Glu455Asp; replaces glutamic acid 455 with aspartic acid.
Molecular consequence: missense variant.
Genome position (GRCh38, 1-based): chr11:6,640,249, C>A on the plus strand (G>T on the coding strand, the complement: DCHS1 is on the minus strand). VCF-style: chr11-6640249-C-A. GRCh37 (hg19) VCF-style: chr11-6661480-C-A.
Other names: short protein forms E455D.
Identifiers: ClinVar variation 2991117 (VCV002991117.3), dbSNP rs369991659, ClinGen allele CA5860983.

ClinVar aggregate classification (germline): Uncertain significance (1 of 4 stars; one submission).

Allele frequency attached by ClinVar (database versions not stated): ExAC 0.00001; ESP Exome Variant Server 0.00008.
gnomAD v4.1: 10 of 1,611,202 alleles (0.00062%); highest among the groups gnomAD compares: Non-Finnish European, 0.00085%; no homozygotes.

Submission:

Labcorp Genetics (formerly Invitae), Labcorp
Classification: Uncertain significance. Last evaluated: 2024-07-15. Review status: criteria provided, single submitter. Criteria: Invitae Variant Classification Sherloc (09022015). Collection method: clinical testing. Allele origin: germline.
Comment: This sequence change replaces glutamic acid, which is acidic and polar, with aspartic acid, which is acidic and polar, at codon 455 of the DCHS1 protein (p.Glu455Asp). The frequency data for this variant in the population databases is considered unreliable, as metrics indicate poor data quality at this position in the gnomAD database. This variant has not been reported in the literature in individuals affected with DCHS1-related conditions. Advanced modeling of protein sequence and biophysical properties (such as structural, functional, and spatial information, amino acid conservation, physicochemical variation, residue mobility, and thermodynamic stability) performed at Invitae indicates that this missense variant is not expected to disrupt DCHS1 protein function with a negative predictive value of 95%. In summary, the available evidence is currently insufficient to determine the role of this variant in disease. Therefore, it has been classified as a Variant of Uncertain Significance.